The following is an entry in ClinVar:

NM_001029883.3(PCARE):c.739_740delinsAA (p.Val247Asn)

Gene: PCARE (photoreceptor cilium actin regulator; minus strand). Cytogenetic location: 2p23.2.
Variant type: Indel.
Coding change: c.739_740delinsAA on transcript NM_001029883.3 (MANE Select); coding-DNA positions 739 to 740, GT replaced by AA.
Protein change: p.Val247Asn; replaces valine 247 with asparagine.
Molecular consequence: missense variant.
Genome position (GRCh38, 1-based): chr2:29,073,522-29,073,523, AC replaced by TT on the plus strand (GT replaced by AA on the coding strand, the reverse complement: PCARE is on the minus strand). VCF-style: chr2-29073522-AC-TT. GRCh37 (hg19) VCF-style: chr2-29296388-AC-TT.
Other names: short protein forms V247N.
Identifiers: ClinVar variation 1476022 (VCV001476022.6), dbSNP rs2148416782, ClinGen allele CA2573134461.
Genomic context (GRCh38, chr2:29,073,522, plus strand): 5'-AGGAGATTTGGCTGCTCCTGGGGCTCTCTTTTCTTCAAAGGCCAAGCCAGATCCTCCCTG[AC>TT]TTCCTGCAGGAGCACTTCTCCATCCTTGGAGATCTCCCCCAACAGCTGGCTGATCTCCTC-3'
Protein context (NP_001025054.1, residues 237-257): SKDGEVLLQE[Val247Asn]REDLAWPLKK

ClinVar aggregate classification (germline): Uncertain significance (1 of 4 stars; one submission).

Submission:

Labcorp Genetics (formerly Invitae), Labcorp
Classification: Uncertain significance. Last evaluated: 2025-08-29. Review status: criteria provided, single submitter. Criteria: Invitae Variant Classification Sherloc (09022015). Collection method: clinical testing. Allele origin: germline.
Comment: This sequence change replaces valine, which is neutral and non-polar, with asparagine, which is neutral and polar, at codon 247 of the PCARE protein (p.Val247Asn). Information on the frequency of this variant in the gnomAD database is not available, as this variant may be reported differently in the database. This variant has not been reported in the literature in individuals affected with PCARE-related conditions. ClinVar contains an entry for this variant (Variation ID: 1476022). An algorithm developed to predict the effect of missense changes on protein structure and function (PolyPhen-2) suggests that this variant is likely to be disruptive. In summary, the available evidence is currently insufficient to determine the role of this variant in disease. Therefore, it has been classified as a Variant of Uncertain Significance.